The following is an entry in ClinVar:

NM_000245.4(MET):c.2025T>C (p.Leu675=)

Gene: MET (MET proto-oncogene, receptor tyrosine kinase; plus strand). Cytogenetic location: 7q31.2.
Variant type: single nucleotide variant.
Coding change: c.2025T>C on transcript NM_000245.4 (MANE Select); coding-DNA position 2025, T replaced by C.
Protein change: p.Leu675=; no amino-acid change (leucine 675 retained).
Molecular consequence: synonymous variant.
Genome position (GRCh38, 1-based): chr7:116,757,697, T>C. VCF-style: chr7-116757697-T-C. GRCh37 (hg19) VCF-style: chr7-116397751-T-C.
Other names: c.2025T>C, p.Leu675= (NM_001127500.3, NM_001324401.3); c.735T>C, p.Leu245= (NM_001324402.2).
Identifiers: ClinVar variation 3675745 (VCV003675745.4).

ClinVar aggregate classification (germline): Benign/Likely benign. Review status: criteria provided, multiple submitters, no conflicts (2 of 4 stars). 3 submissions from 3 submitters: Benign (1); Likely benign (2). Last evaluated 2026-07-11.

Conditions:
Papillary renal cell carcinoma type 1 (RCCP1). Also called: RENAL CELL CARCINOMA, PAPILLARY, 1, SOMATIC; Renal adenocarcinoma; Renal cell carcinoma 1; Renal cell carcinoma, somatic. Identifiers: Orphanet 47044, MedGen C1336839, OMIM 605074, HP:0011797.
Hereditary cancer-predisposing syndrome. Also called: Tumor predisposition; Hereditary neoplastic syndrome; Hereditary Cancer Syndrome; Neoplastic Syndromes, Hereditary. Identifiers: Orphanet 140162, MedGen C0027672, MeSH D009386, MONDO:0015356.
Renal cell carcinoma. Identifiers: Orphanet 217071, MedGen C0007134, MeSH D002292, MONDO:0005086, HP:0005584.

Submissions (3):

Ambry Genetics
Classification: Likely benign for Hereditary cancer-predisposing syndrome. Last evaluated: 2026-07-11. Review status: criteria provided, single submitter. Criteria: Ambry Variant Classification Scheme 2023. Collection method: clinical testing. Allele origin: germline.

Myriad Genetics, Inc.
Classification: Benign for Papillary renal cell carcinoma type 1. Last evaluated: 2024-11-08. Review status: criteria provided, single submitter. Criteria: Myriad Autosomal Dominant, Autosomal Recessive and X-Linked Classification Criteria (2023). Collection method: clinical testing. Allele origin: unknown.
Comment: This variant is considered benign. This variant is a silent/synonymous amino acid change and it is not expected to impact splicing.

Labcorp Genetics (formerly Invitae), Labcorp
Classification: Likely benign for Renal cell carcinoma. Last evaluated: 2024-06-16. Review status: criteria provided, single submitter. Criteria: Invitae Variant Classification Sherloc (09022015). Collection method: clinical testing. Allele origin: germline.